The following is an entry in ClinVar:

NM_013372.7(GREM1):c.132A>G (p.Ser44=)

Gene: GREM1 (gremlin 1, DAN family BMP antagonist; plus strand). Cytogenetic location: 15q13.3.
Variant type: single nucleotide variant.
Coding change: c.132A>G on transcript NM_013372.7 (MANE Select); coding-DNA position 132, A replaced by G.
Protein change: p.Ser44=; no amino-acid change (serine 44 retained).
Molecular consequence: synonymous variant. On other transcripts: intron variant (2).
Genome position (GRCh38, 1-based): chr15:32,730,822, A>G. VCF-style: chr15-32730822-A-G. GRCh37 (hg19) VCF-style: chr15-33023023-A-G.
Other names: c.132A>G, p.Ser44= (NM_001368719.1); c.114+18A>G (NM_001191323.2); c.27+105A>G (NM_001191322.2).
Identifiers: ClinVar variation 1770095 (VCV001770095.4), dbSNP rs372172128, ClinGen allele CA268513208.
Genomic context (GRCh38, chr15:32,730,822, plus strand): 5'-GAAAAAGAAAGGGTCCCAAGGTGCCATCCCCCCGCCAGACAAGGCCCAGCACAATGACTC[A>G]GAGCAGACTCAGTCGCCCCAGCAGCCTGGCTCCAGGAACCGGGGGCGGGGCCAAGGGCGG-3'
Protein context (NP_037504.1, residues 34-54): PPPDKAQHND[Ser44=]EQTQSPQQPG

ClinVar aggregate classification (germline): Likely benign. Review status: criteria provided, single submitter (1 of 4 stars). 2 submissions from 2 submitters: Likely benign (1). 1 of the submissions does not count toward it. Last evaluated 2022-07-17.

Conditions:
GREM1-related disorder. Also called: GREM1-related condition.
Hereditary cancer-predisposing syndrome. Also called: Hereditary Cancer Syndrome; Hereditary neoplastic syndrome; Neoplastic Syndromes, Hereditary; Tumor predisposition. Identifiers: Orphanet 140162, MedGen C0027672, MeSH D009386, MONDO:0015356.

Allele frequency attached by ClinVar (database versions not stated): gnomAD 0.00001; gnomAD exomes 0.00001; TOPMed 0.00003; ESP Exome Variant Server 0.00008.

Submissions (2):

Ambry Genetics
Classification: Likely benign for Hereditary cancer-predisposing syndrome. Last evaluated: 2022-07-17. Review status: criteria provided, single submitter. Criteria: Ambry Variant Classification Scheme 2023. Collection method: clinical testing. Allele origin: germline.

PreventionGenetics, part of Exact Sciences
Classification: Likely benign for GREM1-related condition. Last evaluated: 2021-12-16. Review status: no assertion criteria provided. Collection method: clinical testing. Allele origin: germline. Not counted in ClinVar's aggregate classification.
Comment: This variant is classified as likely benign based on ACMG/AMP sequence variant interpretation guidelines (Richards et al. 2015 PMID: 25741868, with internal and published modifications).